The following is an entry in ClinVar:

ClinVar aggregate classification (germline): Uncertain significance. Review status: criteria provided, multiple submitters, no conflicts (2 of 4 stars). 2 submissions from 2 submitters: Uncertain significance (2). Last evaluated 2024-12-04.

Conditions:
Atrioventricular septal defect 5 (AVSD5). Identifiers: MedGen C3280939, MONDO:0013769, OMIM 614474.
Inborn genetic diseases. Identifiers: MedGen C0950123, MeSH D030342.

gnomAD v4.1: 3 of 1,165,436 alleles (0.00026%); highest among the groups gnomAD compares: Non-Finnish European, 0.00032%; no homozygotes.

Submissions (2):

Ambry Genetics
Classification: Uncertain significance for Inborn genetic diseases. Last evaluated: 2024-12-04. Review status: criteria provided, single submitter. Criteria: Ambry Variant Classification Scheme 2023. Collection method: clinical testing. Allele origin: germline.

Labcorp Genetics (formerly Invitae), Labcorp
Classification: Uncertain significance for Atrioventricular septal defect 5. Last evaluated: 2017-07-10. Review status: criteria provided, single submitter. Criteria: Invitae Variant Classification Sherloc (09022015). Collection method: clinical testing. Allele origin: germline.
Comment: This sequence change replaces alanine with threonine at codon 256 of the GATA6 protein (p.Ala256Thr). The alanine residue is weakly conserved and there is a small physicochemical difference between alanine and threonine. While this variant is not present in population databases, the frequency information is unreliable, as metrics indicate poor data quality at this position in the ExAC database. This variant has not been reported in the literature in individuals with GATA6-related disease. Algorithms developed to predict the effect of missense changes on protein structure and function output the following: SIFT: "Tolerated"; PolyPhen-2: "Benign"; Align-GVGD: "Class C0". The threonine amino acid residue is found in multiple mammalian species, suggesting that this missense change does not adversely affect protein function. These predictions have not been confirmed by published functional studies and their clinical significance is uncertain. In summary, the available evidence is currently insufficient to determine the role of this variant in disease. Therefore, it has been classified as a Variant of Uncertain Significance.

NM_005257.6(GATA6):c.766G>A (p.Ala256Thr)

Gene: GATA6 (GATA binding protein 6; plus strand). Cytogenetic location: 18q11.2.
Variant type: single nucleotide variant.
Coding change: c.766G>A on transcript NM_005257.6 (MANE Select); coding-DNA position 766, G replaced by A.
Protein change: p.Ala256Thr; replaces alanine 256 with threonine.
Molecular consequence: missense variant.
Genome position (GRCh38, 1-based): chr18:22,171,910, G>A. VCF-style: chr18-22171910-G-A. GRCh37 (hg19) VCF-style: chr18-19751871-G-A.
Other names: c.766G>A (NM_005257.3); short protein forms A256T.
Identifiers: ClinVar variation 472916 (VCV000472916.9), dbSNP rs1555628783, ClinGen allele CA401800717.